The following is an entry in ClinVar:

ClinVar aggregate classification (germline): Uncertain significance. Review status: criteria provided, multiple submitters, no conflicts (2 of 4 stars). 4 submissions from 4 submitters: Uncertain significance (4). Last evaluated 2025-12-15.

Conditions:
Intellectual disability, autosomal recessive 53 (NEDHSCA). Also called: GLYCOSYLPHOSPHATIDYLINOSITOL BIOSYNTHESIS DEFECT 13; Mental retardation, autosomal recessive 53; NEURODEVELOPMENTAL DISORDER WITH OR WITHOUT HYPOTONIA, SEIZURES, AND CEREBELLAR ATROPHY. Identifiers: Orphanet 488635, MedGen C4310794, MONDO:0014832, OMIM 616917.

Allele frequency attached by ClinVar (database versions not stated): gnomAD exomes 0.00002 and 0.00007; TOPMed 0.00003; gnomAD 0.00004 and 0.00005; ExAC 0.00009; 1000 Genomes Project 0.00040; 1000 Genomes Project 30x 0.00078.
gnomAD v4.1: 31 of 1,609,524 alleles (0.0019%); highest among the groups gnomAD compares: East Asian, 0.056%; no homozygotes.

Submissions (4):

Greenwood Genetic Center Diagnostic Laboratories, Greenwood Genetic Center
Classification: Uncertain significance. Last evaluated: 2025-12-15. Review status: criteria provided, single submitter. Criteria: ACMG Guidelines, 2015. Collection method: clinical testing. Allele origin: germline. Affected: yes.
Comment: PM2, BP4

GeneDx
Classification: Uncertain significance. Last evaluated: 2024-11-22. Review status: criteria provided, single submitter. Criteria: GeneDx Variant Classification Process June 2021. Collection method: clinical testing. Allele origin: germline. Affected: yes.
Comment: In silico analysis supports that this missense variant has a deleterious effect on protein structure/function; Has not been previously published as pathogenic or benign to our knowledge

Labcorp Genetics (formerly Invitae), Labcorp
Classification: Uncertain significance for Intellectual disability, autosomal recessive 53. Last evaluated: 2021-09-30. Review status: criteria provided, single submitter. Criteria: Invitae Variant Classification Sherloc (09022015). Collection method: clinical testing. Allele origin: germline.
Comment: This sequence change replaces phenylalanine with serine at codon 8 of the PIGG protein (p.Phe8Ser). The phenylalanine residue is moderately conserved and there is a large physicochemical difference between phenylalanine and serine. This variant is present in population databases (rs182168436, ExAC 0.1%). This variant has not been reported in the literature in individuals affected with PIGG-related conditions. ClinVar contains an entry for this variant (Variation ID: 1033298). Algorithms developed to predict the effect of missense changes on protein structure and function (SIFT, PolyPhen-2, Align-GVGD) all suggest that this variant is likely to be disruptive. In summary, the available evidence is currently insufficient to determine the role of this variant in disease. Therefore, it has been classified as a Variant of Uncertain Significance.

Baylor Genetics
Classification: Uncertain significance for Intellectual disability, autosomal recessive 53. Last evaluated: 2018-01-11. Review status: criteria provided, single submitter. Criteria: ACMG Guidelines, 2015. Collection method: clinical testing. Allele origin: maternal. Affected: yes.
Comment: This variant was determined to be of uncertain significance according to ACMG Guidelines, 2015 [PMID:25741868].

NM_001127178.3(PIGG):c.23T>C (p.Phe8Ser)

Gene: PIGG (phosphatidylinositol glycan anchor biosynthesis class G (EMM blood group); plus strand). Cytogenetic location: 4p16.3.
Variant type: single nucleotide variant.
Coding change: c.23T>C on transcript NM_001127178.3 (MANE Select); coding-DNA position 23, T replaced by C.
Protein change: p.Phe8Ser; replaces phenylalanine 8 with serine.
Molecular consequence: missense variant. On other transcripts: 5 prime UTR variant (9), non-coding transcript variant (10), intron variant (1).
Genome position (GRCh38, 1-based): chr4:499,358, T>C. VCF-style: chr4-499358-T-C. GRCh37 (hg19) VCF-style: chr4-493147-T-C.
Other names: c.23T>C, p.Phe8Ser (NM_001289052.2, NM_001345989.2, NM_017733.5); c.-803T>C (NM_001289053.2); c.-414T>C (NM_001289055.2); c.-481T>C (NM_001289057.2, NM_001345986.2, NM_001345987.2); c.-1101T>C (NM_001345988.2); c.-1603T>C (NM_001345990.2); c.-1701T>C (NM_001345991.2); c.-1426T>C (NM_001345994.2); and 1 more; short protein forms F8S.
Identifiers: ClinVar variation 1033298 (VCV001033298.8), dbSNP rs182168436, ClinGen allele CA2792871.